The following is an entry in ClinVar:

ClinVar aggregate classification (germline): Uncertain significance (1 of 4 stars; one submission).

Conditions:
Aortic aneurysm, familial thoracic 7 (AAT7). Also called: AORTIC DISSECTION, FAMILIAL, WITH OR WITHOUT AORTIC ANEURYSM. Identifiers: MedGen C3151077, MONDO:0013418, OMIM 613780.

gnomAD v4.1: 4 of 1,614,250 alleles (0.00025%); highest among the groups gnomAD compares: Non-Finnish European, 0.00034%; no homozygotes.

Submission:

Labcorp Genetics (formerly Invitae), Labcorp
Classification: Uncertain significance for Aortic aneurysm, familial thoracic 7. Last evaluated: 2022-10-25. Review status: criteria provided, single submitter. Criteria: Invitae Variant Classification Sherloc (09022015). Collection method: clinical testing. Allele origin: germline.
Comment: In summary, the available evidence is currently insufficient to determine the role of this variant in disease. Therefore, it has been classified as a Variant of Uncertain Significance. Advanced modeling of protein sequence and biophysical properties (such as structural, functional, and spatial information, amino acid conservation, physicochemical variation, residue mobility, and thermodynamic stability) has been performed at Invitae for this missense variant, however the output from this modeling did not meet the statistical confidence thresholds required to predict the impact of this variant on MYLK protein function. This variant has not been reported in the literature in individuals affected with MYLK-related conditions. This variant is not present in population databases (gnomAD no frequency). This sequence change replaces glutamine, which is neutral and polar, with arginine, which is basic and polar, at codon 890 of the MYLK protein (p.Gln890Arg).

NM_053025.4(MYLK):c.2669A>G (p.Gln890Arg)

Gene: MYLK (myosin light chain kinase; minus strand). Cytogenetic location: 3q21.1.
Variant type: single nucleotide variant.
Coding change: c.2669A>G on transcript NM_053025.4 (MANE Select); coding-DNA position 2669, A replaced by G.
Protein change: p.Gln890Arg; replaces glutamine 890 with arginine.
Molecular consequence: missense variant.
Genome position (GRCh38, 1-based): chr3:123,700,799, T>C on the plus strand (A>G on the coding strand, the complement: MYLK is on the minus strand). VCF-style: chr3-123700799-T-C. GRCh37 (hg19) VCF-style: chr3-123419646-T-C.
Other names: c.2141A>G, p.Gln714Arg (NM_001321309.2); c.2462A>G, p.Gln821Arg (NM_053026.4, NM_053028.4); c.2669A>G, p.Gln890Arg (NM_053027.4); short protein forms Q714R, Q821R, Q890R.
Identifiers: ClinVar variation 2158414 (VCV002158414.4), dbSNP rs2474185637, ClinGen allele CA354231977.
Genomic context (GRCh38, chr3:123,700,799, plus strand): 5'-AGGGTCTTTGTACTCACCTTCTTCCCCAGGAGGTCTCGGAAGTCCAGCTGCTCCACCTCC[T>C]GCTGGCGGATCGCCTCCTCAGTGTGCTGCCTCGTCTCCACGCGCCTCTTCAGCACCCCTC-3'
Protein context (NP_444253.3, residues 880-900): RQHTEEAIRQ[Gln890Arg]EVEQLDFRDL